The following is an entry in ClinVar:

ClinVar aggregate classification (germline): Likely benign (0 of 4 stars; one submission).

Conditions:
CREBBP-related disorder. Also called: CREBBP-related condition; CREBBP-related disorders.

gnomAD v4.1: 25 of 1,613,480 alleles (0.0015%); highest among the groups gnomAD compares: African/African-American, 0.0053%; no homozygotes.

Submission:

PreventionGenetics, part of Exact Sciences
Classification: Likely benign for CREBBP-related condition. Last evaluated: 2021-09-30. Review status: no assertion criteria provided. Collection method: clinical testing. Allele origin: germline.
Comment: This variant is classified as likely benign based on ACMG/AMP sequence variant interpretation guidelines (Richards et al. 2015 PMID: 25741868, with internal and published modifications).

NM_004380.3(CREBBP):c.6834G>T (p.Gly2278=)

Gene: CREBBP (CREB binding lysine acetyltransferase; minus strand). Cytogenetic location: 16p13.3.
Variant type: single nucleotide variant.
Coding change: c.6834G>T on transcript NM_004380.3 (MANE Select); coding-DNA position 6834, G replaced by T.
Protein change: p.Gly2278=; no amino-acid change (glycine 2278 retained).
Molecular consequence: synonymous variant.
Genome position (GRCh38, 1-based): chr16:3,728,213, C>A on the plus strand (G>T on the coding strand, the complement: CREBBP is on the minus strand). VCF-style: chr16-3728213-C-A. GRCh37 (hg19) VCF-style: chr16-3778214-C-A.
Other names: c.6720G>T, p.Gly2240= (NM_001079846.1).
Identifiers: ClinVar variation 3355394 (VCV003355394.1).
Genomic context (GRCh38, chr16:3,728,213, plus strand): 5'-TTGCTGCAGAATCCGCTGCTGCAGGGCTTGCTGGATGTTGGGGGTGCTGTCTGCCCCCAG[C>A]CCCGGCTGCCCCATCTGGCCAAGCTGTCCCATCTGAGCCGCCATCTGGCCCATGGAGCTG-3'
Protein context (NP_004371.2, residues 2268-2288): MGQLGQMGQP[Gly2278=]LGADSTPNIQ